The following is an entry in ClinVar:

ClinVar aggregate classification (germline): Uncertain significance (1 of 4 stars; one submission).

Submission:

GeneDx
Classification: Uncertain significance. Last evaluated: 2023-11-08. Review status: criteria provided, single submitter. Criteria: GeneDx Variant Classification Process June 2021. Collection method: clinical testing. Allele origin: germline. Affected: yes.
Comment: Observed as an apparently de novo variant in an individual with autism; however no further clinical information was provided (PMID: 25363768); Not observed at significant frequency in large population cohorts (gnomAD); In silico analysis supports that this missense variant has a deleterious effect on protein structure/function; This variant is associated with the following publications: (PMID: 28191890, 28714951, 34011629, 35982159, 31785789, 37324587, 35982160, 25363768)

NM_006565.4(CTCF):c.1430A>C (p.His477Pro)

Gene: CTCF (CCCTC-binding factor; plus strand). Cytogenetic location: 16q22.1.
Variant type: single nucleotide variant.
Coding change: c.1430A>C on transcript NM_006565.4 (MANE Select); coding-DNA position 1430, A replaced by C.
Protein change: p.His477Pro; replaces histidine 477 with proline.
Molecular consequence: missense variant.
Genome position (GRCh38, 1-based): chr16:67,626,627, A>C. VCF-style: chr16-67626627-A-C. GRCh37 (hg19) VCF-style: chr16-67660530-A-C.
Other names: c.446A>C, p.His149Pro (NM_001191022.2); c.1430A>C, p.His477Pro (NM_001363916.2); short protein forms H149P, H477P.
Identifiers: ClinVar variation 3340575 (VCV003340575.1).